The following is an entry in ClinVar:

NM_005245.4(FAT1):c.4531A>C (p.Thr1511Pro)

Gene: FAT1 (FAT atypical cadherin 1; minus strand). Cytogenetic location: 4q35.2.
Variant type: single nucleotide variant.
Coding change: c.4531A>C on transcript NM_005245.4 (MANE Select); coding-DNA position 4531, A replaced by C.
Protein change: p.Thr1511Pro; replaces threonine 1511 with proline.
Molecular consequence: missense variant.
Genome position (GRCh38, 1-based): chr4:186,628,556, T>G on the plus strand (A>C on the coding strand, the complement: FAT1 is on the minus strand). VCF-style: chr4-186628556-T-G. GRCh37 (hg19) VCF-style: chr4-187549710-T-G.
Other names: short protein forms T1511P.
Identifiers: ClinVar variation 2636470 (VCV002636470.1), dbSNP rs1740436666, ClinGen allele CA358980291.

ClinVar aggregate classification (germline): Uncertain significance (1 of 4 stars; one submission).

Conditions:
FAT1-related disorder. Also called: FAT1-related condition.

Submission:

PreventionGenetics, part of Exact Sciences
Classification: Uncertain significance for FAT1-related condition. Last evaluated: 2022-12-20. Review status: criteria provided, single submitter. Criteria: ACMG Guidelines, 2015. Collection method: clinical testing. Allele origin: germline.
Comment: The FAT1 c.4531A>C variant is predicted to result in the amino acid substitution p.Thr1511Pro. To our knowledge, this variant has not been reported in the literature or in a large population database, indicating this variant is rare. At this time, the clinical significance of this variant is uncertain due to the absence of conclusive functional and genetic evidence.